The following is an entry in ClinVar:

NM_018249.6(CDK5RAP2):c.5373A>C (p.Glu1791Asp)

Gene: CDK5RAP2 (CDK5 regulatory subunit associated protein 2; minus strand). Cytogenetic location: 9q33.2.
Variant type: single nucleotide variant.
Coding change: c.5373A>C on transcript NM_018249.6 (MANE Select); coding-DNA position 5373, A replaced by C.
Protein change: p.Glu1791Asp; replaces glutamic acid 1791 with aspartic acid.
Molecular consequence: missense variant. On other transcripts: non-coding transcript variant (5).
Genome position (GRCh38, 1-based): chr9:120,400,820, T>G on the plus strand (A>C on the coding strand, the complement: CDK5RAP2 is on the minus strand). VCF-style: chr9-120400820-T-G. GRCh37 (hg19) VCF-style: chr9-123163098-T-G.
Other names: c.5136A>C, p.Glu1712Asp (NM_001011649.3); c.4683A>C, p.Glu1561Asp (NM_001272039.2); short protein forms E1791D, E1561D, E1712D.
Identifiers: ClinVar variation 421992 (VCV000421992.5), dbSNP rs774322006, ClinGen allele CA5213286.

ClinVar aggregate classification (germline): Uncertain significance. Review status: criteria provided, multiple submitters, no conflicts (2 of 4 stars). 2 submissions from 2 submitters: Uncertain significance (2). Last evaluated 2025-05-18.

Conditions:
Inborn genetic diseases. Identifiers: MedGen C0950123, MeSH D030342.

Allele frequency attached by ClinVar (database versions not stated): gnomAD exomes 0.00001; gnomAD 0.00002 and 0.00003; TOPMed 0.00002; ExAC 0.00002.
gnomAD v4.1: 12 of 1,614,100 alleles (0.00074%); highest among the groups gnomAD compares: African/African-American, 0.015%; no homozygotes.

Submissions (2):

Ambry Genetics
Classification: Uncertain significance for Inborn genetic diseases. Last evaluated: 2025-05-18. Review status: criteria provided, single submitter. Criteria: Ambry Variant Classification Scheme 2023. Collection method: clinical testing. Allele origin: germline.

GeneDx
Classification: Uncertain significance. Last evaluated: 2016-08-16. Review status: criteria provided, single submitter. Criteria: GeneDx Variant Classification (06012015). Collection method: clinical testing. Allele origin: germline. Affected: yes.
Comment: A variant of uncertain significance has been identified in the CDK5RAP2 gene. The E1791D variant has not been published as a pathogenic variant, nor has it been reported as a benign variant to our knowledge. It was not observed in approximately 6,500 individuals of European and African American ancestry in the NHLBI Exome Sequencing Project, indicating it is not a common benign variant in these populations. The E1791D variant is a conservative amino acid substitution, which is not likely to impact secondary protein structure as these residues share similar properties. This substitution occurs at a position where amino acids with similar properties to Glutamic acid are tolerated across species. However, in silico analysis is inconsistent in its predictions as to whether or not the variant is damaging to the protein structure/function. Therefore, based on the currently available information, it is unclear whether this variant is a pathogenic variant or a rare benign variant.